The following is an entry in ClinVar:

NM_004525.3(LRP2):c.13881G>A (p.Ser4627=)

Gene: LRP2 (LDL receptor related protein 2; minus strand). Cytogenetic location: 2q31.1.
Variant type: single nucleotide variant.
Coding change: c.13881G>A on transcript NM_004525.3 (MANE Select); coding-DNA position 13881, G replaced by A.
Protein change: p.Ser4627=; no amino-acid change (serine 4627 retained).
Molecular consequence: synonymous variant.
Genome position (GRCh38, 1-based): chr2:169,128,750, C>T on the plus strand (G>A on the coding strand, the complement: LRP2 is on the minus strand). VCF-style: chr2-169128750-C-T. GRCh37 (hg19) VCF-style: chr2-169985260-C-T.
Other names: c.13881G>A (NM_004525.2).
Identifiers: ClinVar variation 1135281 (VCV001135281.12), dbSNP rs144292380, ClinGen allele CA1952391.

ClinVar aggregate classification (germline): Likely benign. Review status: criteria provided, multiple submitters, no conflicts (2 of 4 stars). 3 submissions from 3 submitters: Likely benign (2). 1 of the submissions does not count toward it. Last evaluated 2025-11-15.

Conditions:
LRP2-related disorder. Also called: LRP2-related condition.

Allele frequency attached by ClinVar (database versions not stated): ExAC 0.00002; gnomAD exomes 0.00002; TOPMed 0.00003; ESP Exome Variant Server 0.00015; 1000 Genomes Project 30x 0.00016; 1000 Genomes Project 0.00020.
gnomAD v4.1: 27 of 1,614,058 alleles (0.0017%); highest among the groups gnomAD compares: African/African-American, 0.02%; no homozygotes.

Submissions (3):

Labcorp Genetics (formerly Invitae), Labcorp
Classification: Likely benign. Last evaluated: 2025-11-15. Review status: criteria provided, single submitter. Criteria: Invitae Variant Classification Sherloc (09022015). Collection method: clinical testing. Allele origin: germline.

Blueprint Genetics
Classification: Likely benign. Last evaluated: 2019-10-22. Review status: criteria provided, single submitter. Criteria: ACMG Guidelines, 2015. Collection method: clinical testing. Allele origin: germline.

PreventionGenetics, part of Exact Sciences
Classification: Likely benign for LRP2-related condition. Last evaluated: 2019-09-10. Review status: no assertion criteria provided. Collection method: clinical testing. Allele origin: germline. Not counted in ClinVar's aggregate classification.
Comment: This variant is classified as likely benign based on ACMG/AMP sequence variant interpretation guidelines (Richards et al. 2015 PMID: 25741868, with internal and published modifications).